The following is an entry in ClinVar:

NM_001903.5(CTNNA1):c.157_158del (p.Gly53fs)

Gene: CTNNA1 (catenin alpha 1; plus strand). Cytogenetic location: 5q31.2.
Variant type: Deletion.
Coding change: c.157_158del on transcript NM_001903.5 (MANE Select); coding-DNA positions 157 to 158, 2 bases deleted (GG; older notation c.157_158delGG).
Protein change: p.Gly53fs; shifts the reading frame from glycine 53.
Molecular consequence: frameshift variant. On other transcripts: intron variant (1), 5 prime UTR variant (1).
Genome position (GRCh38, 1-based): chr5:138,783,228-138,783,229, GG deleted. VCF-style (leftmost placement, unchanged base first): chr5-138783227-AGG-A. GRCh37 (hg19) VCF-style: chr5-138118916-AGG-A.
Other names: c.-9+1199_-9+1200del (NM_001290309.3); c.157_158del, p.Gly53fs (NM_001290307.3, NM_001323982.2, NM_001323983.1 and 3 more transcripts); c.-50_-49del (NM_001290310.3); short protein forms G53fs.
Identifiers: ClinVar variation 3148700 (VCV003148700.1), dbSNP rs2532178251, ClinGen allele CA2825001389.

ClinVar aggregate classification (germline): Pathogenic (1 of 4 stars; one submission).

Conditions:
Hereditary diffuse gastric adenocarcinoma (HDGC). Also called: DIFFUSE GASTRIC AND LOBULAR BREAST CANCER SYNDROME. Identifiers: Orphanet 26106, MedGen C1708349, MONDO:0007648, OMIM 137215.

Submission:

Myriad Genetics, Inc.
Classification: Pathogenic for Hereditary diffuse gastric adenocarcinoma. Last evaluated: 2024-02-14. Review status: criteria provided, single submitter. Criteria: Myriad Autosomal Dominant, Autosomal Recessive and X-Linked Classification Criteria (2023). Collection method: clinical testing. Allele origin: unknown.
Comment: This variant is considered pathogenic. This variant creates a frameshift predicted to result in premature protein truncation.